The following is an entry in ClinVar:

ClinVar aggregate classification (germline): Uncertain significance. Review status: criteria provided, multiple submitters, no conflicts (2 of 4 stars). 2 submissions from 2 submitters: Uncertain significance (2). Last evaluated 2024-05-11.

Conditions:
Hereditary cancer-predisposing syndrome. Also called: Neoplastic Syndromes, Hereditary; Tumor predisposition; Hereditary Cancer Syndrome; Hereditary neoplastic syndrome. Identifiers: Orphanet 140162, MedGen C0027672, MeSH D009386, MONDO:0015356.
Familial cancer of breast. Also called: BREAST CANCER, FAMILIAL; Hereditary breast cancer; hereditary breast carcinoma. Identifiers: Orphanet 227535, MedGen C0346153, MONDO:0016419, OMIM 114480. Disease mechanism: loss of function.

Submissions (2):

Ambry Genetics
Classification: Uncertain significance for Hereditary cancer-predisposing syndrome. Last evaluated: 2024-05-11. Review status: criteria provided, single submitter. Criteria: Ambry Variant Classification Scheme 2023. Collection method: clinical testing. Allele origin: germline.
Comment: The p.G971R variant (also known as c.2911G>C), located in coding exon 9 of the PALB2 gene, results from a G to C substitution at nucleotide position 2911. The glycine at codon 971 is replaced by arginine, an amino acid with dissimilar properties. This variant was not reported in population based cohorts in the following databases: Database of Single Nucleotide Polymorphisms (dbSNP), NHLBI Exome Sequencing Project (ESP), and 1000 Genomes Project. In the ESP, this variant was not observed in 6497 samples (12994 alleles) with coverage at this position. To date, this alteration has been detected with an allele frequency of approximately 0.0004% (greater than 225000 alleles tested) in our clinical cohort. This amino acid position is highly conserved in available vertebrate species. In addition, the in silico prediction for this alteration is inconclusive. Since supporting evidence is limited at this time, the clinical significance of this alteration remains unclear.

Labcorp Genetics (formerly Invitae), Labcorp
Classification: Uncertain significance for Familial cancer of breast. Last evaluated: 2018-01-15. Review status: criteria provided, single submitter. Criteria: Invitae Variant Classification Sherloc (09022015). Collection method: clinical testing. Allele origin: germline.
Comment: In summary, the available evidence is currently insufficient to determine the role of this variant in disease. Therefore, it has been classified as a Variant of Uncertain Significance. Algorithms developed to predict the effect of missense changes on protein structure and function (SIFT, PolyPhen-2, Align-GVGD) all suggest that this variant is likely to be disruptive, but these predictions have not been confirmed by published functional studies and their clinical significance is uncertain. This variant has not been reported in the literature in individuals with PALB2-related disease. This variant is not present in population databases (ExAC no frequency). This sequence change replaces glycine with arginine at codon 971 of the PALB2 protein (p.Gly971Arg). The glycine residue is highly conserved and there is a moderate physicochemical difference between glycine and arginine.

NM_024675.4(PALB2):c.2911G>C (p.Gly971Arg)

Gene: PALB2 (partner and localizer of BRCA2; minus strand). Cytogenetic location: 16p12.2.
Variant type: single nucleotide variant.
Coding change: c.2911G>C on transcript NM_024675.4 (MANE Select); coding-DNA position 2911, G replaced by C.
Protein change: p.Gly971Arg; replaces glycine 971 with arginine.
Molecular consequence: missense variant.
Genome position (GRCh38, 1-based): chr16:23,623,054, C>G on the plus strand (G>C on the coding strand, the complement: PALB2 is on the minus strand). VCF-style: chr16-23623054-C-G. GRCh37 (hg19) VCF-style: chr16-23634375-C-G.
Other names: short protein forms G971R.
Identifiers: ClinVar variation 482035 (VCV000482035.15), dbSNP rs1555459556, ClinGen allele CA395144225.